The following is an entry in ClinVar:

NM_020066.5(FMN2):c.1358G>A (p.Arg453Gln)

Gene: FMN2 (formin 2; plus strand). Cytogenetic location: 1q43.
Variant type: single nucleotide variant.
Coding change: c.1358G>A on transcript NM_020066.5 (MANE Select); coding-DNA position 1358, G replaced by A.
Protein change: p.Arg453Gln; replaces arginine 453 with glutamine.
Molecular consequence: missense variant.
Genome position (GRCh38, 1-based): chr1:240,093,467, G>A. VCF-style: chr1-240093467-G-A. GRCh37 (hg19) VCF-style: chr1-240256767-G-A.
Other names: c.1358G>A, p.Arg453Gln (NM_001305424.2, NM_001348094.2); short protein forms R453Q.
Identifiers: ClinVar variation 737587 (VCV000737587.32), dbSNP rs147961923, ClinGen allele CA1476306.

ClinVar aggregate classification (germline): Conflicting classifications of pathogenicity. Review status: criteria provided, conflicting classifications (1 of 4 stars). 5 submissions from 5 submitters: Uncertain significance (1); Likely benign (3). 1 of the submissions does not count toward it. Last evaluated 2025-07-01.

Conditions:
FMN2-related disorder. Also called: FMN2-related condition.
Inborn genetic diseases. Identifiers: MedGen C0950123, MeSH D030342.

Allele frequency attached by ClinVar (database versions not stated): gnomAD exomes 0.00011 and 0.00034; ExAC 0.00039; gnomAD 0.00125 and 0.00134; TOPMed 0.00127; ESP Exome Variant Server 0.00170; 1000 Genomes Project 30x 0.00172; 1000 Genomes Project 0.00180.
gnomAD v4.1: 367 of 1,613,130 alleles (0.023%); highest among the groups gnomAD compares: African/African-American, 0.43%; 1 homozygote.

Submissions (5):

CeGaT Center for Human Genetics Tuebingen
Classification: Likely benign. Last evaluated: 2025-07-01. Review status: criteria provided, single submitter. Criteria: CeGaT Center For Human Genetics Tuebingen Variant Classification Criteria Version 2. Collection method: clinical testing. Allele origin: germline. Affected: yes. Observed: 2 variant alleles.
Comment: FMN2: BP4, BS1

Ambry Genetics
Classification: Uncertain significance for Inborn genetic diseases. Last evaluated: 2021-06-03. Review status: criteria provided, single submitter. Criteria: Ambry Variant Classification Scheme 2023. Collection method: clinical testing. Allele origin: germline.

Labcorp Genetics (formerly Invitae), Labcorp
Classification: Likely benign. Last evaluated: 2019-12-31. Review status: criteria provided, single submitter. Criteria: Invitae Variant Classification Sherloc (09022015). Collection method: clinical testing. Allele origin: germline.

Breakthrough Genomics
Classification: Likely benign. Review status: criteria provided, single submitter. Criteria: ACMG Guidelines, 2015. Collection method: not provided. Allele origin: germline. Inheritance: Autosomal recessive inheritance. Affected: yes.

PreventionGenetics, part of Exact Sciences
Classification: Likely benign for FMN2-related condition. Last evaluated: 2023-04-24. Review status: no assertion criteria provided. Collection method: clinical testing. Allele origin: germline. Not counted in ClinVar's aggregate classification.
Comment: This variant is classified as likely benign based on ACMG/AMP sequence variant interpretation guidelines (Richards et al. 2015 PMID: 25741868, with internal and published modifications).